The following is an entry in ClinVar:

ClinVar aggregate classification (germline): Uncertain significance. Review status: criteria provided, multiple submitters, no conflicts (2 of 4 stars). 3 submissions from 3 submitters: Uncertain significance (3). Last evaluated 2026-03-18.

Conditions:
TRPC6-related disorder. Also called: TRPC6-related condition.
Focal segmental glomerulosclerosis 2 (FSGS2). Identifiers: Orphanet 656, MedGen C1858915, MONDO:0011390, OMIM 603965.

gnomAD v4.1: 15 of 1,604,122 alleles (0.00094%); highest among the groups gnomAD compares: East Asian, 0.0045%; no homozygotes.

Submissions (3):

PreventionGenetics, part of Exact Sciences
Classification: Uncertain significance for TRPC6-related condition. Last evaluated: 2026-03-18. Review status: criteria provided, single submitter. Criteria: ACMG Guidelines, 2015. Collection method: clinical testing. Allele origin: germline.
Comment: The TRPC6 c.301C>T variant is predicted to result in the amino acid substitution p.Arg101Cys. To our knowledge, this variant has not been reported in the literature. This variant is reported in 0.011% of alleles in individuals of East Asian descent in gnomAD. At this time, the clinical significance of this variant is uncertain due to the absence of conclusive functional and genetic evidence.

Labcorp Genetics (formerly Invitae), Labcorp
Classification: Uncertain significance. Last evaluated: 2025-01-12. Review status: criteria provided, single submitter. Criteria: Invitae Variant Classification Sherloc (09022015). Collection method: clinical testing. Allele origin: germline.
Comment: This sequence change replaces arginine, which is basic and polar, with cysteine, which is neutral and slightly polar, at codon 101 of the TRPC6 protein (p.Arg101Cys). This variant is present in population databases (rs201977212, gnomAD 0.01%). This variant has not been reported in the literature in individuals affected with TRPC6-related conditions. Invitae Evidence Modeling of protein sequence and biophysical properties (such as structural, functional, and spatial information, amino acid conservation, physicochemical variation, residue mobility, and thermodynamic stability) has been performed for this missense variant. However, the output from this modeling did not meet the statistical confidence thresholds required to predict the impact of this variant on TRPC6 protein function. In summary, the available evidence is currently insufficient to determine the role of this variant in disease. Therefore, it has been classified as a Variant of Uncertain Significance.

Fulgent Genetics
Classification: Uncertain significance for Focal segmental glomerulosclerosis 2. Last evaluated: 2024-03-13. Review status: criteria provided, single submitter. Criteria: ACMG Guidelines, 2015. Collection method: clinical testing. Allele origin: germline.

NM_004621.6(TRPC6):c.301C>T (p.Arg101Cys)

Gene: TRPC6 (transient receptor potential cation channel subfamily C member 6; minus strand). Cytogenetic location: 11q22.1.
Variant type: single nucleotide variant.
Coding change: c.301C>T on transcript NM_004621.6 (MANE Select); coding-DNA position 301, C replaced by T.
Protein change: p.Arg101Cys; replaces arginine 101 with cysteine.
Molecular consequence: missense variant.
Genome position (GRCh38, 1-based): chr11:101,504,668, G>A on the plus strand (C>T on the coding strand, the complement: TRPC6 is on the minus strand). VCF-style: chr11-101504668-G-A. GRCh37 (hg19) VCF-style: chr11-101375399-G-A.
Other names: c.301C>T (NM_004621.5); short protein forms R101C.
Identifiers: ClinVar variation 3598831 (VCV003598831.4).